The following is an entry in ClinVar:

ClinVar aggregate classification (germline): Likely benign (1 of 4 stars; one submission).

Submission:

CeGaT Center for Human Genetics Tuebingen
Classification: Likely benign. Last evaluated: 2024-08-01. Review status: criteria provided, single submitter. Criteria: CeGaT Center For Human Genetics Tuebingen Variant Classification Criteria Version 2. Collection method: clinical testing. Allele origin: germline. Affected: yes. Observed: 2 variant alleles.
Comment: FMN2: PM2:Supporting, BP4, BP7

NM_020066.5(FMN2):c.2886A>T (p.Ala962=)

Gene: FMN2 (formin 2; plus strand). Cytogenetic location: 1q43.
Variant type: single nucleotide variant.
Coding change: c.2886A>T on transcript NM_020066.5 (MANE Select); coding-DNA position 2886, A replaced by T.
Protein change: p.Ala962=; no amino-acid change (alanine 962 retained).
Molecular consequence: synonymous variant. On other transcripts: intron variant (1).
Genome position (GRCh38, 1-based): chr1:240,207,698, A>T. VCF-style: chr1-240207698-A-T. GRCh37 (hg19) VCF-style: chr1-240370998-A-T.
Other names: c.2898A>T, p.Ala966= (NM_001305424.2); c.1986+19436A>T (NM_001348094.2).
Identifiers: ClinVar variation 3239145 (VCV003239145.19), dbSNP rs199866405.